The following is an entry in ClinVar:

ClinVar aggregate classification (germline): Uncertain significance (1 of 4 stars; one submission).

Conditions:
Ataxia-telangiectasia syndrome (AT). Also called: LOUIS-BAR SYNDROME; Cerebello-oculocutaneous telangiectasia; Immunodeficiency with ataxia telangiectasia; ATAXIA-TELANGIECTASIA, COMPLEMENTATION GROUP A; ATAXIA-TELANGIECTASIA, FRESNO VARIANT; Ataxia-telangiectasia, complementation group D. Identifiers: Orphanet 100, MedGen C0004135, MONDO:0008840, OMIM 208900.

gnomAD v4.1: 1 of 1,604,466 alleles (0.000062%); highest among the groups gnomAD compares: Non-Finnish European, 0.000085%; no homozygotes.

Submission:

Labcorp Genetics (formerly Invitae), Labcorp
Classification: Uncertain significance for Ataxia-telangiectasia syndrome. Last evaluated: 2024-08-13. Review status: criteria provided, single submitter. Criteria: Invitae Variant Classification Sherloc (09022015). Collection method: clinical testing. Allele origin: germline.
Comment: This sequence change falls in intron 31 of the ATM gene. It does not directly change the encoded amino acid sequence of the ATM protein. It affects a nucleotide within the consensus splice site. This variant is present in population databases (no rsID available, gnomAD 0.0009%). This variant has not been reported in the literature in individuals affected with ATM-related conditions. Variants that disrupt the consensus splice site are a relatively common cause of aberrant splicing (PMID: 17576681, 9536098). Algorithms developed to predict the effect of sequence changes on RNA splicing suggest that this variant is not likely to affect RNA splicing. In summary, the available evidence is currently insufficient to determine the role of this variant in disease. Therefore, it has been classified as a Variant of Uncertain Significance.

Literature cited by the submitters: PubMed 17576681; PubMed 9536098.

NM_000051.4(ATM):c.4776+6A>G

Gene: ATM (ATM serine/threonine kinase; plus strand). Cytogenetic location: 11q22.3.
Variant type: single nucleotide variant.
Coding change: c.4776+6A>G on transcript NM_000051.4 (MANE Select); 6 bases into the intron after coding-DNA position 4776, A replaced by G.
Molecular consequence: intron variant.
Genome position (GRCh38, 1-based): chr11:108,293,483, A>G. VCF-style: chr11-108293483-A-G. GRCh37 (hg19) VCF-style: chr11-108164210-A-G.
Other names: c.4776+6A>G (NM_001351834.2).
Identifiers: ClinVar variation 3662208 (VCV003662208.2).